The following is an entry in ClinVar:

ClinVar aggregate classification (germline): Uncertain significance (1 of 4 stars; one submission).

gnomAD v4.1: 1 of 1,614,174 alleles (0.000062%); highest among the groups gnomAD compares: East Asian, 0.0022%; no homozygotes.

Submission:

Labcorp Genetics (formerly Invitae), Labcorp
Classification: Uncertain significance. Last evaluated: 2024-07-06. Review status: criteria provided, single submitter. Criteria: Invitae Variant Classification Sherloc (09022015). Collection method: clinical testing. Allele origin: germline.
Comment: This sequence change replaces cysteine, which is neutral and slightly polar, with tyrosine, which is neutral and polar, at codon 1037 of the DMXL2 protein (p.Cys1037Tyr). This variant is not present in population databases (gnomAD no frequency). This variant has not been reported in the literature in individuals affected with DMXL2-related conditions. An algorithm developed to predict the effect of missense changes on protein structure and function (PolyPhen-2) suggests that this variant is likely to be tolerated. In summary, the available evidence is currently insufficient to determine the role of this variant in disease. Therefore, it has been classified as a Variant of Uncertain Significance.

NM_001378457.1(DMXL2):c.3110G>A (p.Cys1037Tyr)

Gene: DMXL2 (Dmx like 2; minus strand). Cytogenetic location: 15q21.2.
Variant type: single nucleotide variant.
Coding change: c.3110G>A on transcript NM_001378457.1 (MANE Select); coding-DNA position 3110, G replaced by A.
Protein change: p.Cys1037Tyr; replaces cysteine 1037 with tyrosine.
Molecular consequence: missense variant. On other transcripts: intron variant (2), non-coding transcript variant (2).
Genome position (GRCh38, 1-based): chr15:51,500,114, C>T on the plus strand (G>A on the coding strand, the complement: DMXL2 is on the minus strand). VCF-style: chr15-51500114-C-T. GRCh37 (hg19) VCF-style: chr15-51792311-C-T.
Other names: c.2765-4980G>A (NM_001174117.3); c.3110G>A, p.Cys1037Tyr (NM_001174116.3, NM_001378458.1, NM_001378459.1 and 4 more transcripts); c.2870G>A, p.Cys957Tyr (NM_001378464.1); c.2764+7020G>A (NM_001378460.1); short protein forms C1037Y, C957Y.
Identifiers: ClinVar variation 3693154 (VCV003693154.2).